The following is an entry in ClinVar:

NM_001042492.3(NF1):c.5049C>T (p.Asn1683=)

Gene: NF1 (neurofibromin 1; plus strand). Cytogenetic location: 17q11.2.
Variant type: single nucleotide variant.
Coding change: c.5049C>T on transcript NM_001042492.3 (MANE Select); coding-DNA position 5049, C replaced by T.
Protein change: p.Asn1683=; no amino-acid change (asparagine 1683 retained).
Molecular consequence: synonymous variant.
Genome position (GRCh38, 1-based): chr17:31,326,033, C>T. VCF-style: chr17-31326033-C-T. GRCh37 (hg19) VCF-style: chr17-29653051-C-T.
Other names: c.4986C>T, p.Asn1662= (NM_000267.4).
Identifiers: ClinVar variation 184710 (VCV000184710.45), dbSNP rs140994965, ClinGen allele CA189791.
Genomic context (GRCh38, chr17:31,326,033, plus strand): 5'-TGTTGTTTTTCCTGGCTTTGCTTACGACAACGTCTCCGCAGTCTATATCTATAACTGTAA[C>T]TCCTGGGTCAGGGAGTACACCAAGTATCATGAGCGGCTGCTGACTGGCCTCAAAGGTAGC-3'
Protein context (NP_001035957.1, residues 1673-1693): NVSAVYIYNC[Asn1683=]SWVREYTKYH

ClinVar aggregate classification (germline): Conflicting classifications of pathogenicity. Review status: criteria provided, conflicting classifications (1 of 4 stars). 17 submissions from 14 submitters: Uncertain significance (4); Benign (3); Likely benign (10). Last evaluated 2026-05-20.

Conditions:
Hereditary cancer-predisposing syndrome. Also called: Tumor predisposition; Neoplastic Syndromes, Hereditary; Hereditary Cancer Syndrome; Hereditary neoplastic syndrome. Identifiers: Orphanet 140162, MedGen C0027672, MeSH D009386, MONDO:0015356.
Neurofibromatosis, familial spinal (FSNF). Identifiers: Orphanet 636, MedGen C1834235, MONDO:0008078, OMIM 162210. Disease mechanism: loss of function.
Café-au-lait macules with pulmonary stenosis (WTSN). Also called: PULMONIC STENOSIS WITH CAFE-AU-LAIT SPOTS. Identifiers: MedGen C0553586, MONDO:0008672, OMIM 193520.
Neurofibromatosis-Noonan syndrome (NFNS). Also called: NEUROFIBROMATOSIS WITH NOONAN PHENOTYPE. Identifiers: Orphanet 638, MedGen C2931482, MONDO:0011035, OMIM 601321. Disease mechanism: loss of function.
Neurofibromatosis, type 1 (NF1). Also called: Peripheral type neurofibromatosis; Neurofibromatosis, type I; NEUROFIBROMATOSIS, TYPE I, SOMATIC; VON RECKLINGHAUSEN DISEASE. Identifiers: Orphanet 636, MedGen C0027831, MONDO:0018975, OMIM 162200. Disease mechanism: loss of function.

Allele frequency attached by ClinVar (database versions not stated): gnomAD exomes 0.00018 and 0.00013; ESP Exome Variant Server 0.00008; ExAC 0.00012; gnomAD 0.00012; TOPMed 0.00014.
gnomAD v4.1: 279 of 1,614,066 alleles (0.017%); highest among the groups gnomAD compares: Non-Finnish European, 0.017%; no homozygotes.

Submissions (17):

Myriad Genetics, Inc.
Classification: Benign for Neurofibromatosis, type 1. Last evaluated: 2026-05-20. Review status: criteria provided, single submitter. Criteria: Myriad Autosomal Dominant, Autosomal Recessive and X-Linked Classification Criteria (2023). Collection method: clinical testing. Allele origin: unknown.
Comment: This variant is considered benign. This variant is a silent/synonymous amino acid change and it is not expected to impact splicing.

CeGaT Center for Human Genetics Tuebingen
Classification: Likely benign. Last evaluated: 2026-05-01. Review status: criteria provided, single submitter. Criteria: CeGaT Center For Human Genetics Tuebingen Variant Classification Criteria Version 2. Collection method: clinical testing. Allele origin: germline. Affected: yes. Observed: 5 variant alleles.
Comment: NF1: BP4, BP7

Labcorp Genetics (formerly Invitae), Labcorp
Classification: Benign for Neurofibromatosis, type 1. Last evaluated: 2026-02-03. Review status: criteria provided, single submitter. Criteria: Invitae Variant Classification Sherloc (09022015). Collection method: clinical testing. Allele origin: germline.

Blueprint Genetics
Classification: Likely benign. Last evaluated: 2024-10-22. Review status: criteria provided, single submitter. Criteria: ACMG Guidelines, 2015. Collection method: clinical testing. Allele origin: germline.

Institute for Biomarker Research, Medical Diagnostic Laboratories, L.L.C.
Classification: Likely benign for Hereditary cancer-predisposing syndrome. Last evaluated: 2024-06-18. Review status: criteria provided, single submitter. Criteria: ACMG Guidelines, 2015. Collection method: clinical testing. Allele origin: germline.

Sema4
Classification: Likely benign for Hereditary cancer-predisposing syndrome. Last evaluated: 2020-11-17. Review status: criteria provided, single submitter. Criteria: Sema4 Curation Guidelines. Collection method: curation. Allele origin: germline.

Genome Diagnostics Laboratory, The Hospital for Sick Children
Classification: Likely benign for Neurofibromatosis, type 1. Last evaluated: 2020-10-26. Review status: criteria provided, single submitter. Criteria: ACMG Guidelines, 2015. Collection method: clinical testing. Allele origin: germline. Affected: yes.

ARUP Laboratories, Molecular Genetics and Genomics, ARUP Laboratories
Classification: Likely benign. Last evaluated: 2019-01-15. Review status: criteria provided, single submitter. Criteria: ARUP Molecular Germline Variant Investigation Process. Collection method: clinical testing. Allele origin: germline.

Genetic Services Laboratory, University of Chicago
Classification: Likely benign. Last evaluated: 2019-01-09. Review status: criteria provided, single submitter. Criteria: ACMG Guidelines, 2015. Collection method: clinical testing. Allele origin: germline. Affected: no.

GeneDx
Classification: Likely benign. Last evaluated: 2018-03-30. Review status: criteria provided, single submitter. Criteria: GeneDx Variant Classification (06012015). Collection method: clinical testing. Allele origin: germline. Affected: yes.
Comment: This variant is considered likely benign or benign based on one or more of the following criteria: it is a conservative change, it occurs at a poorly conserved position in the protein, it is predicted to be benign by multiple in silico algorithms, and/or has population frequency not consistent with disease.

Women's Health and Genetics/Laboratory Corporation of America, LabCorp
Classification: Benign. Last evaluated: 2018-03-28. Review status: criteria provided, single submitter. Criteria: LabCorp Variant Classification Summary - May 2015. Collection method: clinical testing. Allele origin: germline.
Comment: Variant summary: NF1 c.4986C>T alters a non-conserved nucleotide resulting in a synonymous change. 5/5 computational tools predict no significant impact on normal splicing. However, these predictions have yet to be confirmed by functional studies. The variant was observed with an allele frequency of 0.0001191 in 277132 control chromosomes (gnomAD). The observed variant frequency within Ashkenazi Jewish control individuals in the gnomAD database is approximately 8-folds higher than the estimated maximal expected allele frequency for a pathogenic variant in NF1 causing Neurofibromatosis Type 1 phenotype (0.00021), strongly suggesting that the variant is a benign polymorphism found primarily in population(s) of Ashkenazi Jewish origin. To our knowledge, no occurrence of c.4986C>T in individuals affected with Neurofibromatosis Type 1 and no experimental evidence demonstrating its impact on protein function have been reported. Multiple ClinVar submissions from clinical diagnostic laboratories (evaluation after 2014) cite the variant as "benign." Based on the evidence outlined above, the variant was classified as benign.

Illumina Laboratory Services, Illumina
Classification: Uncertain significance for Café-au-lait macules with pulmonary stenosis. Last evaluated: 2017-04-28. Review status: criteria provided, single submitter. Criteria: ICSL Variant Classification Criteria 13 December 2019. Collection method: clinical testing. Allele origin: germline.

Illumina Laboratory Services, Illumina
Classification: Uncertain significance for Neurofibromatosis, familial spinal. Last evaluated: 2017-04-28. Review status: criteria provided, single submitter. Criteria: ICSL Variant Classification Criteria 13 December 2019. Collection method: clinical testing. Allele origin: germline.

Illumina Laboratory Services, Illumina
Classification: Uncertain significance for Neurofibromatosis, type 1. Last evaluated: 2017-04-28. Review status: criteria provided, single submitter. Criteria: ICSL Variant Classification Criteria 13 December 2019. Collection method: clinical testing. Allele origin: germline.

Illumina Laboratory Services, Illumina
Classification: Uncertain significance for Neurofibromatosis-Noonan syndrome. Last evaluated: 2017-04-28. Review status: criteria provided, single submitter. Criteria: ICSL Variant Classification Criteria 13 December 2019. Collection method: clinical testing. Allele origin: germline.

PreventionGenetics, part of Exact Sciences
Classification: Likely benign. Last evaluated: 2017-02-20. Review status: criteria provided, single submitter. Criteria: ACMG Guidelines, 2015. Collection method: clinical testing. Allele origin: germline.

Ambry Genetics
Classification: Likely benign for Hereditary cancer-predisposing syndrome. Last evaluated: 2014-07-07. Review status: criteria provided, single submitter. Criteria: Ambry Autosomal Dominant and X-Linked criteria (10/2015). Collection method: clinical testing. Allele origin: germline. Observed: 1 variant allele.

Literature cited by the submitters: PubMed 10678181 (cited by Women's Health and Genetics/Laboratory Corporation of America, LabCorp); PubMed 23460398 (cited by Women's Health and Genetics/Laboratory Corporation of America, LabCorp).